The following is an entry in ClinVar:

NM_001242896.3(DEPDC5):c.3225C>T (p.Ser1075=)

Gene: DEPDC5 (DEP domain containing 5, GATOR1 subcomplex subunit; plus strand). Cytogenetic location: 22q12.3.
Variant type: single nucleotide variant.
Coding change: c.3225C>T on transcript NM_001242896.3 (MANE Select); coding-DNA position 3225, C replaced by T.
Protein change: p.Ser1075=; no amino-acid change (serine 1075 retained).
Molecular consequence: synonymous variant. On other transcripts: non-coding transcript variant (5).
Genome position (GRCh38, 1-based): chr22:31,857,514, C>T. VCF-style: chr22-31857514-C-T. GRCh37 (hg19) VCF-style: chr22-32253500-C-T.
Other names: c.3198C>T, p.Ser1066= (NM_001136029.4, NM_001369903.1, NM_014662.6); c.2991C>T, p.Ser997= (NM_001242897.2, NM_001363854.2, NM_001364319.2); c.3225C>T, p.Ser1075= (NM_001363852.2, NM_001364318.2, NM_001364320.2); c.3141C>T, p.Ser1047= (NM_001369901.1, NM_001369902.1).
Identifiers: ClinVar variation 414456 (VCV000414456.48), dbSNP rs757534228, ClinGen allele CA10196912.
Genomic context (GRCh38, chr22:31,857,514, plus strand): 5'-AGAACAGCAGGCAGCTGTGCATGGTGGGAAGAGCTCCGCCCAGTCAGCCGAGAGCAGCAG[C>T]GTTGCCATGACTCCCACCTACATGGACAGCCCACGAAAGGTAAAGGAAGCCGCGGTAGCA-3'
Protein context (NP_001229825.1, residues 1065-1085): KSSAQSAESS[Ser1075=]VAMTPTYMDS

ClinVar aggregate classification (germline): Likely benign. Review status: criteria provided, multiple submitters, no conflicts (2 of 4 stars). 2 submissions from 2 submitters: Likely benign (2). Last evaluated 2025-11-17.

Conditions:
Familial focal epilepsy with variable foci (FPEVF). Identifiers: Orphanet 98820, MedGen C1858477, MONDO:0020310.

Allele frequency attached by ClinVar (database versions not stated): gnomAD 0.00003; TOPMed 0.00003; ExAC 0.00005; gnomAD exomes 0.00007 and 0.00009.
gnomAD v4.1: 130 of 1,612,136 alleles (0.0081%); highest among the groups gnomAD compares: South Asian, 0.02%; no homozygotes.

Submissions (2):

Labcorp Genetics (formerly Invitae), Labcorp
Classification: Likely benign for Familial focal epilepsy with variable foci. Last evaluated: 2025-11-17. Review status: criteria provided, single submitter. Criteria: Invitae Variant Classification Sherloc (09022015). Collection method: clinical testing. Allele origin: germline.

CeGaT Center for Human Genetics Tuebingen
Classification: Likely benign. Last evaluated: 2025-06-01. Review status: criteria provided, single submitter. Criteria: CeGaT Center For Human Genetics Tuebingen Variant Classification Criteria Version 2. Collection method: clinical testing. Allele origin: germline. Affected: yes. Observed: 2 variant alleles.
Comment: DEPDC5: BP4, BP7